The following is an entry in ClinVar:

ClinVar aggregate classification (germline): Benign (1 of 4 stars; one submission).

gnomAD v4.1: 3,088 of 1,614,174 alleles (0.19%); highest among the groups gnomAD compares: African/African-American, 3.7%; 57 homozygotes.

Submission:

Mayo Clinic Laboratories, Mayo Clinic
Classification: Benign. Last evaluated: 2025-06-13. Review status: criteria provided, single submitter. Criteria: ACMG Guidelines, 2015. Collection method: clinical testing. Allele origin: germline. Observed: 1 variant allele.
Comment: BS1, BS2, BP4, BP7

NM_001112.4(ADARB1):c.753C>T (p.Phe251=)

Gene: ADARB1 (adenosine deaminase RNA specific B1; plus strand). Cytogenetic location: 21q22.3.
Variant type: single nucleotide variant.
Coding change: c.753C>T on transcript NM_001112.4 (MANE Select); coding-DNA position 753, C replaced by T.
Protein change: p.Phe251=; no amino-acid change (phenylalanine 251 retained).
Molecular consequence: synonymous variant. On other transcripts: non-coding transcript variant (4).
Genome position (GRCh38, 1-based): chr21:45,176,454, C>T. VCF-style: chr21-45176454-C-T. GRCh37 (hg19) VCF-style: chr21-46596369-C-T.
Other names: p.Phe251=; c.753C>T, p.Phe251= (NM_001160230.2, NM_001346688.2, NM_015833.4 and 1 more transcripts); c.900C>T, p.Phe300= (NM_001346687.2, NM_001410722.1).
Identifiers: ClinVar variation 4684439 (VCV004684439.1).
Genomic context (GRCh38, chr21:45,176,454, plus strand): 5'-GAGTGGGAAGAATCCCGTGATGATCTTGAACGAACTGCGCCCAGGACTCAAGTATGACTT[C>T]CTCTCCGAGAGCGGGGAGAGCCATGCCAAGAGCTTCGTCATGTCTGTGGTCGTGGATGGT-3'
Protein context (NP_001103.1, residues 241-261): NELRPGLKYD[Phe251=]LSESGESHAK